The following is an entry in ClinVar:

NM_001904.4(CTNNB1):c.735-1G>A

Gene: CTNNB1 (catenin beta 1; plus strand). Cytogenetic location: 3p22.1.
Variant type: single nucleotide variant.
Coding change: c.735-1G>A on transcript NM_001904.4 (MANE Select); the canonical splice acceptor site of the intron before coding-DNA position 735, G replaced by A.
Molecular consequence: splice acceptor variant.
Genome position (GRCh38, 1-based): chr3:41,225,659, G>A. VCF-style: chr3-41225659-G-A. GRCh37 (hg19) VCF-style: chr3-41267150-G-A.
Other names: c.714-1G>A (NM_001330729.2); c.735-1G>A (NM_001098209.2, NM_001098210.2).
Identifiers: ClinVar variation 2691872 (VCV002691872.3), dbSNP rs2125623951, ClinGen allele CA352229989.

ClinVar aggregate classification (germline): Pathogenic (1 of 4 stars; one submission).

Conditions:
Severe intellectual disability-progressive spastic diplegia syndrome (NEDSDV). Also called: CTNNB1 Neurodevelopmental Disorder; NEURODEVELOPMENTAL DISORDER WITH SPASTIC DIPLEGIA AND VISUAL DEFECTS. Identifiers: Orphanet 404473, MedGen C3554449, MONDO:0014035, OMIM 615075.

Submission:

Institute of Human Genetics, University of Leipzig Medical Center
Classification: Pathogenic for Severe intellectual disability-progressive spastic diplegia syndrome. Last evaluated: 2024-07-05. Review status: criteria provided, single submitter. Criteria: ACMG Guidelines, 2015. Collection method: clinical testing. Allele origin: de novo. Inheritance: Autosomal dominant inheritance. Affected: yes.
Comment: Criteria applied: PVS1,PS1_SUP,PM2, PS2_MOD